The following is an entry in ClinVar:

ClinVar aggregate classification (germline): Uncertain significance (1 of 4 stars; one submission).

Submission:

GeneDx
Classification: Uncertain significance. Last evaluated: 2023-03-17. Review status: criteria provided, single submitter. Criteria: GeneDx Variant Classification Process June 2021. Collection method: clinical testing. Allele origin: germline. Affected: yes.
Comment: Not observed at significant frequency in large population cohorts (gnomAD); In silico analysis supports that this missense variant has a deleterious effect on protein structure/function; Has not been previously published as pathogenic or benign to our knowledge

NM_138615.3(DHX30):c.2423T>A (p.Val808Glu)

Gene: DHX30 (DExH-box helicase 30; plus strand). Cytogenetic location: 3p21.31.
Variant type: single nucleotide variant.
Coding change: c.2423T>A on transcript NM_138615.3 (MANE Select); coding-DNA position 2423, T replaced by A.
Protein change: p.Val808Glu; replaces valine 808 with glutamic acid.
Molecular consequence: missense variant.
Genome position (GRCh38, 1-based): chr3:47,848,316, T>A. VCF-style: chr3-47848316-T-A. GRCh37 (hg19) VCF-style: chr3-47889806-T-A.
Other names: c.2339T>A, p.Val780Glu (NM_001330990.2); c.2306T>A, p.Val769Glu (NM_014966.4); short protein forms V769E, V780E, V808E.
Identifiers: ClinVar variation 2579793 (VCV002579793.1), dbSNP rs2549297240, ClinGen allele CA352590671.